The following is an entry in ClinVar:

NM_004336.5(BUB1):c.1876+15_1876+19inv

Gene: BUB1 (BUB1 mitotic checkpoint serine/threonine kinase; minus strand). Cytogenetic location: 2q13.
Variant type: Inversion.
Coding change: c.1876+15_1876+19inv on transcript NM_004336.5 (MANE Select).
Molecular consequence: intron variant.
Genome position: GRCh38 VCF-style: chr2-110655720-AAAAC-GTTTT. GRCh37 (hg19) VCF-style: chr2-111413297-AAAAC-GTTTT.
Other names: c.1816+15_1816+19inv (NM_001278616.2); c.1876+15_1876+19inv (NM_001278617.2).
Identifiers: ClinVar variation 3631419 (VCV003631419.2).

ClinVar aggregate classification (germline): Uncertain significance (1 of 4 stars; one submission).

Submission:

Labcorp Genetics (formerly Invitae), Labcorp
Classification: Uncertain significance. Last evaluated: 2025-11-27. Review status: criteria provided, single submitter. Criteria: Invitae Variant Classification Sherloc (09022015). Collection method: clinical testing. Allele origin: germline.
Comment: This sequence change falls in intron 16 of the BUB1 gene. It does not directly change the encoded amino acid sequence of the BUB1 protein. Information on the frequency of this variant in the gnomAD database is not available, as this variant may be reported differently in the database. This variant has not been reported in the literature in individuals affected with BUB1-related conditions. ClinVar contains an entry for this variant (Variation ID: 3631419). Experimental studies and prediction algorithms are not available or were not evaluated, and the effect of this variant on mRNA splicing is currently unknown. In summary, the available evidence is currently insufficient to determine the role of this variant in disease. Therefore, it has been classified as a Variant of Uncertain Significance.